The following is an entry in ClinVar:

ClinVar aggregate classification (germline): Uncertain significance. Review status: criteria provided, multiple submitters, no conflicts (2 of 4 stars). 4 submissions from 4 submitters: Uncertain significance (4). Last evaluated 2024-05-17.

Conditions:
Cardiovascular phenotype. Identifiers: MedGen CN230736.
Cardiomyopathy (CMYO). Also called: Cardiomyopathies. Identifiers: Orphanet 167848, MedGen C0878544, MONDO:0004994, HP:0001638. Inheritance: Various modes of inheritance.
Arrhythmogenic right ventricular dysplasia 11. Also called: ARRHYTHMOGENIC RIGHT VENTRICULAR DYSPLASIA, FAMILIAL, 11; Arrhythmogenic Right Ventricular Dysplasia/Cardiomyopathy11; Arrhythmogenic right ventricular dysplasia 11 with mild palmoplantar keratoderma and woolly hair. Identifiers: MedGen C1864850, MONDO:0012506, OMIM 610476.

Allele frequency attached by ClinVar (database versions not stated): ExAC 0.00002; gnomAD exomes below 0.00001 and 0.00001; TOPMed below 0.00001; gnomAD 0.00001.

Submissions (4):

Ambry Genetics
Classification: Uncertain significance for Cardiovascular phenotype. Last evaluated: 2024-05-17. Review status: criteria provided, single submitter. Criteria: Ambry Variant Classification Scheme 2023. Collection method: clinical testing. Allele origin: germline.
Comment: The p.I527V variant (also known as c.1579A>G), located in coding exon 11 of the DSC2 gene, results from an A to G substitution at nucleotide position 1579. The isoleucine at codon 527 is replaced by valine, an amino acid with highly similar properties. This amino acid position is conserved. In addition, this alteration is predicted to be tolerated by in silico analysis. Since supporting evidence is limited at this time, the clinical significance of this alteration remains unclear.

GeneDx
Classification: Uncertain significance. Last evaluated: 2024-03-22. Review status: criteria provided, single submitter. Criteria: GeneDx Variant Classification Process June 2021. Collection method: clinical testing. Allele origin: germline. Affected: yes.
Comment: Has not been previously published as pathogenic or benign to our knowledge; In silico analysis supports that this missense variant does not alter protein structure/function; Not observed at significant frequency in large population cohorts (gnomAD)

Color Diagnostics, LLC DBA Color Health
Classification: Uncertain significance for Cardiomyopathy. Last evaluated: 2024-03-06. Review status: criteria provided, single submitter. Criteria: ACMG Guidelines, 2015. Collection method: clinical testing. Allele origin: germline.
Comment: This missense variant replaces isoleucine with valine at codon 527 of the DSC2 protein. Computational prediction suggests that this variant may not impact protein structure and function (internally defined REVEL score threshold <= 0.5, PMID: 27666373). To our knowledge, functional studies have not been reported for this variant. This variant has not been reported in individuals affected with cardiovascular disorders in the literature. This variant has been identified in 3/251168 chromosomes in the general population by the Genome Aggregation Database (gnomAD). The available evidence is insufficient to determine the role of this variant in disease conclusively. Therefore, this variant is classified as a Variant of Uncertain Significance.

Fulgent Genetics
Classification: Uncertain significance for Arrhythmogenic right ventricular dysplasia 11. Last evaluated: 2021-08-03. Review status: criteria provided, single submitter. Criteria: ACMG Guidelines, 2015. Collection method: clinical testing. Allele origin: unknown.

NM_024422.6(DSC2):c.1579A>G (p.Ile527Val)

Gene: DSC2 (desmocollin 2; minus strand). Cytogenetic location: 18q12.1.
Variant type: single nucleotide variant.
Coding change: c.1579A>G on transcript NM_024422.6 (MANE Select); coding-DNA position 1579, A replaced by G.
Protein change: p.Ile527Val; replaces isoleucine 527 with valine.
Molecular consequence: missense variant.
Genome position (GRCh38, 1-based): chr18:31,079,931, T>C on the plus strand (A>G on the coding strand, the complement: DSC2 is on the minus strand). VCF-style: chr18-31079931-T-C. GRCh37 (hg19) VCF-style: chr18-28659897-T-C.
Other names: c.1579A>G, p.Ile527Val (NM_004949.5); short protein forms I527V.
Identifiers: ClinVar variation 918390 (VCV000918390.12), dbSNP rs756058875, ClinGen allele CA032254.
Genomic context (GRCh38, chr18:31,079,931, plus strand): 5'-TATTATATATGCCATTTTTGATGGTCTCTGCCTCTCTATCCAGGCTTCTGAAAACTTTGA[T>C]TGATCCTGTATTTTCATCAATGGTGACCCACCCTGTTGGATCAGTTAATTTCTTATACCT-3'
Protein context (NP_077740.1, residues 517-537): WVTIDENTGS[Ile527Val]KVFRSLDREA